The following is an entry in ClinVar:

ClinVar aggregate classification (germline): Likely benign (1 of 4 stars; one submission).

Allele frequency attached by ClinVar (database versions not stated): gnomAD exomes below 0.00001.
gnomAD v4.1: 2 of 1,613,830 alleles (0.00012%); highest among the groups gnomAD compares: Non-Finnish European, 0.00017%; no homozygotes.

Submission:

GeneDx
Classification: Likely benign. Last evaluated: 2018-06-11. Review status: criteria provided, single submitter. Criteria: GeneDx Variant Classification (06012015). Collection method: clinical testing. Allele origin: germline. Affected: yes.
Comment: This variant is considered likely benign or benign based on one or more of the following criteria: it is a conservative change, it occurs at a poorly conserved position in the protein, it is predicted to be benign by multiple in silico algorithms, and/or has population frequency not consistent with disease.

NM_001267550.2(TTN):c.98299A>C (p.Arg32767=)

Genes: TTN (titin; minus strand), TTN-AS1 (TTN antisense RNA 1; plus strand). Cytogenetic location: 2q31.2.
Variant type: single nucleotide variant.
Coding change: c.98299A>C on transcript NM_001267550.2 (MANE Select); coding-DNA position 98299, A replaced by C.
Protein change: p.Arg32767=; no amino-acid change (arginine 32767 retained).
Molecular consequence: synonymous variant. On other transcripts: non-coding transcript variant (1).
Genome position (GRCh38, 1-based): chr2:178,539,766, T>G on the plus strand (A>C on the coding strand, the complement: TTN is on the minus strand). VCF-style: chr2-178539766-T-G. GRCh37 (hg19) VCF-style: chr2-179404493-T-G.
Other names: c.93376A>C, p.Arg31126= (NM_001256850.1); c.71104A>C, p.Arg23702= (NM_003319.4); c.90595A>C, p.Arg30199= (NM_133378.4); c.71479A>C, p.Arg23827= (NM_133432.3); c.71680A>C, p.Arg23894= (NM_133437.4).
Identifiers: ClinVar variation 672198 (VCV000672198.1), dbSNP rs1553510330, ClinGen allele CA430240510.